The following is an entry in ClinVar:

NM_080425.4(GNAS):c.1306G>T (p.Ala436Ser)

Gene: GNAS (GNAS complex locus; plus strand). Cytogenetic location: 20q13.32.
Variant type: single nucleotide variant.
Coding change: c.1306G>T on transcript NM_080425.4 (MANE Plus Clinical); coding-DNA position 1306, G replaced by T.
Protein change: p.Ala436Ser; replaces alanine 436 with serine.
Molecular consequence: missense variant. On other transcripts: synonymous variant (2), intron variant (3).
Genome position (GRCh38, 1-based): chr20:58,854,571, G>T. VCF-style: chr20-58854571-G-T. GRCh37 (hg19) VCF-style: chr20-57429626-G-T.
Other names: c.1119G>T, p.Leu373= (NM_001077490.3, NM_001309883.1); c.1306G>T, p.Ala436Ser (NM_001410913.1); c.*42+13685G>T (NM_016592.5); c.43+13685G>T (NM_001410912.1); c.-39+12696G>T (NM_001309861.2); short protein forms A436S.
Identifiers: ClinVar variation 3056997 (VCV003056997.2), dbSNP rs2516384552, ClinGen allele CA409459999.

ClinVar aggregate classification (germline): Uncertain significance (0 of 4 stars; one submission).

Conditions:
GNAS-related disorder. Identifiers: MedGen CN380105.

Submission:

PreventionGenetics, part of Exact Sciences
Classification: Uncertain significance for GNAS-related condition. Last evaluated: 2023-11-17. Review status: no assertion criteria provided. Collection method: clinical testing. Allele origin: germline.
Comment: The GNAS c.1306G>T variant is predicted to result in the amino acid substitution p.Ala436Ser. Of note, this variant is pre-coding (c.-37156G>T) in the more commonly reported isoform NM_000516. To our knowledge, this variant has not been reported in the literature or in a large population database, indicating this variant is rare. At this time, the clinical significance of this variant is uncertain due to the absence of conclusive functional and genetic evidence.